The following is an entry in ClinVar:

NM_000719.7(CACNA1C):c.5083A>G (p.Ile1695Val)

Genes: CACNA1C (calcium voltage-gated channel subunit alpha1 C; plus strand), CACNA1C-AS1 (CACNA1C antisense RNA 1; minus strand). Cytogenetic location: 12p13.33.
Variant type: single nucleotide variant.
Coding change: c.5083A>G on transcript NM_000719.7 (MANE Select); coding-DNA position 5083, A replaced by G.
Protein change: p.Ile1695Val; replaces isoleucine 1695 with valine.
Molecular consequence: missense variant. On other transcripts: non-coding transcript variant (1).
Genome position (GRCh38, 1-based): chr12:2,677,859, A>G. VCF-style: chr12-2677859-A-G. GRCh37 (hg19) VCF-style: chr12-2787025-A-G.
Other names: c.5227A>G, p.Ile1743Val (NM_001129827.2, NM_199460.4); c.5206A>G, p.Ile1736Val (NM_001129829.2); c.5083A>G, p.Ile1695Val (NM_001129830.3, NM_001129843.2, NM_001167623.2 and 4 more transcripts); c.5167A>G, p.Ile1723Val (NM_001129831.2); c.5143A>G, p.Ile1715Val (NM_001129832.2); c.5140A>G, p.Ile1714Val (NM_001129833.2, NM_001129834.2, NM_001129835.2); c.5074A>G, p.Ile1692Val (NM_001129844.2); c.5050A>G, p.Ile1684Val (NM_001129846.2, NM_001167625.2); and 3 more; short protein forms I1695V, I1712V, I1684V, I1714V, I1723V, I1743V, I1692V, I1701V.
Identifiers: ClinVar variation 2898189 (VCV002898189.3), dbSNP rs2532157637, ClinGen allele CA383378450.

ClinVar aggregate classification (germline): Uncertain significance (1 of 4 stars; one submission).

Conditions:
Long QT syndrome (LQTS). Identifiers: MedGen C0023976, MeSH D008133, MONDO:0002442. Disease mechanism: loss of function. Inheritance: Various modes of inheritance.

Allele frequency attached by ClinVar (database versions not stated): gnomAD exomes below 0.00001.
gnomAD v4.1: 1 of 1,613,930 alleles (0.000062%); highest among the groups gnomAD compares: Non-Finnish European, 0.000085%; no homozygotes.

Submission:

Labcorp Genetics (formerly Invitae), Labcorp
Classification: Uncertain significance for Long QT syndrome. Last evaluated: 2023-08-01. Review status: criteria provided, single submitter. Criteria: Invitae Variant Classification Sherloc (09022015). Collection method: clinical testing. Allele origin: germline.
Comment: In summary, the available evidence is currently insufficient to determine the role of this variant in disease. Therefore, it has been classified as a Variant of Uncertain Significance. Advanced modeling of protein sequence and biophysical properties (such as structural, functional, and spatial information, amino acid conservation, physicochemical variation, residue mobility, and thermodynamic stability) performed at Invitae indicates that this missense variant is not expected to disrupt CACNA1C protein function. This variant has not been reported in the literature in individuals affected with CACNA1C-related conditions. This variant is not present in population databases (gnomAD no frequency). This sequence change replaces isoleucine, which is neutral and non-polar, with valine, which is neutral and non-polar, at codon 1695 of the CACNA1C protein (p.Ile1695Val).